The following is an entry in ClinVar:

NM_001371928.1(AHDC1):c.3703C>A (p.Arg1235=)

Gene: AHDC1 (AT-hook DNA binding motif containing 1; minus strand). Cytogenetic location: 1p36.11.
Variant type: single nucleotide variant.
Coding change: c.3703C>A on transcript NM_001371928.1 (MANE Select); coding-DNA position 3703, C replaced by A.
Protein change: p.Arg1235=; no amino-acid change (arginine 1235 retained).
Molecular consequence: synonymous variant.
Genome position (GRCh38, 1-based): chr1:27,548,413, G>T on the plus strand (C>A on the coding strand, the complement: AHDC1 is on the minus strand). VCF-style: chr1-27548413-G-T. GRCh37 (hg19) VCF-style: chr1-27874924-G-T.
Other names: c.3703C>A, p.Arg1235= (NM_001029882.3); c.-341C>A (NM_015699.1).
Identifiers: ClinVar variation 3029069 (VCV003029069.2), dbSNP rs1329989312, ClinGen allele CA416977923.

ClinVar aggregate classification (germline): Likely benign (0 of 4 stars; one submission).

Conditions:
AHDC1-related disorder. Also called: AHDC1-related condition.

Allele frequency attached by ClinVar (database versions not stated): TOPMed below 0.00001.
gnomAD v4.1: 2 of 1,610,674 alleles (0.00012%); highest among the groups gnomAD compares: Non-Finnish European, 0.00017%; no homozygotes.

Submission:

PreventionGenetics, part of Exact Sciences
Classification: Likely benign for AHDC1-related condition. Last evaluated: 2021-09-28. Review status: no assertion criteria provided. Collection method: clinical testing. Allele origin: germline.
Comment: This variant is classified as likely benign based on ACMG/AMP sequence variant interpretation guidelines (Richards et al. 2015 PMID: 25741868, with internal and published modifications).